The following is an entry in ClinVar:

ClinVar aggregate classification (germline): Uncertain significance (1 of 4 stars; one submission).

Submission:

Labcorp Genetics (formerly Invitae), Labcorp
Classification: Uncertain significance. Last evaluated: 2024-04-11. Review status: criteria provided, single submitter. Criteria: Invitae Variant Classification Sherloc (09022015). Collection method: clinical testing. Allele origin: germline.
Comment: This sequence change replaces serine, which is neutral and polar, with proline, which is neutral and non-polar, at codon 815 of the NNT protein (p.Ser815Pro). This variant is not present in population databases (gnomAD no frequency). This variant has not been reported in the literature in individuals affected with NNT-related conditions. An algorithm developed to predict the effect of missense changes on protein structure and function (PolyPhen-2) suggests that this variant is likely to be disruptive. In summary, the available evidence is currently insufficient to determine the role of this variant in disease. Therefore, it has been classified as a Variant of Uncertain Significance.

NM_182977.3(NNT):c.2443T>C (p.Ser815Pro)

Gene: NNT (nicotinamide nucleotide transhydrogenase; plus strand). Cytogenetic location: 5p12.
Variant type: single nucleotide variant.
Coding change: c.2443T>C on transcript NM_182977.3 (MANE Select); coding-DNA position 2443, T replaced by C.
Protein change: p.Ser815Pro; replaces serine 815 with proline.
Molecular consequence: missense variant.
Genome position (GRCh38, 1-based): chr5:43,656,802, T>C. VCF-style: chr5-43656802-T-C. GRCh37 (hg19) VCF-style: chr5-43656904-T-C.
Other names: c.2050T>C, p.Ser684Pro (NM_001331026.2); c.2443T>C, p.Ser815Pro (NM_012343.4); short protein forms S684P, S815P.
Identifiers: ClinVar variation 3616343 (VCV003616343.1).